The following is an entry in ClinVar:

NM_018255.4(ELP2):c.1572G>C (p.Leu524=)

Gene: ELP2 (elongator acetyltransferase complex subunit 2; plus strand). Cytogenetic location: 18q12.2.
Variant type: single nucleotide variant.
Coding change: c.1572G>C on transcript NM_018255.4 (MANE Select); coding-DNA position 1572, G replaced by C.
Protein change: p.Leu524=; no amino-acid change (leucine 524 retained).
Molecular consequence: synonymous variant. On other transcripts: non-coding transcript variant (4).
Genome position (GRCh38, 1-based): chr18:36,159,772, G>C. VCF-style: chr18-36159772-G-C. GRCh37 (hg19) VCF-style: chr18-33739735-G-C.
Other names: c.1767G>C, p.Leu589= (NM_001242875.3); c.1557G>C, p.Leu519= (NM_001242876.3); c.1494G>C, p.Leu498= (NM_001242877.3); c.1362G>C, p.Leu454= (NM_001242878.3, NM_001242879.3); c.1440G>C, p.Leu480= (NM_001324465.2); c.1689G>C, p.Leu563= (NM_001324466.2); c.1422G>C, p.Leu474= (NM_001324467.2); c.1125G>C, p.Leu375= (NM_001324468.2).
Identifiers: ClinVar variation 788334 (VCV000788334.39), dbSNP rs139343265, ClinGen allele CA8940002.

ClinVar aggregate classification (germline): Benign/Likely benign. Review status: criteria provided, multiple submitters, no conflicts (2 of 4 stars). 4 submissions from 4 submitters: Benign (1); Likely benign (3). Last evaluated 2026-05-01.

Allele frequency attached by ClinVar (database versions not stated): 1000 Genomes Project 30x 0.00109; 1000 Genomes Project 0.00120; ExAC 0.00426; TOPMed 0.00430; gnomAD exomes 0.00443 and 0.00642; gnomAD 0.00463 and 0.00478; ESP Exome Variant Server 0.00554.
gnomAD v4.1: 10,001 of 1,613,942 alleles (0.62%); highest among the groups gnomAD compares: Non-Finnish European, 0.73%; 47 homozygotes.

Submissions (4):

CeGaT Center for Human Genetics Tuebingen
Classification: Likely benign. Last evaluated: 2026-05-01. Review status: criteria provided, single submitter. Criteria: CeGaT Center For Human Genetics Tuebingen Variant Classification Criteria Version 2. Collection method: clinical testing. Allele origin: germline. Affected: yes. Observed: 29 variant alleles.
Comment: ELP2: BP4, BP7, BS2

Blueprint Genetics
Classification: Likely benign. Last evaluated: 2024-11-28. Review status: criteria provided, single submitter. Criteria: ACMG Guidelines, 2015. Collection method: clinical testing. Allele origin: germline.

Labcorp Genetics (formerly Invitae), Labcorp
Classification: Benign. Last evaluated: 2019-12-31. Review status: criteria provided, single submitter. Criteria: Invitae Variant Classification Sherloc (09022015). Collection method: clinical testing. Allele origin: germline.

Breakthrough Genomics
Classification: Likely benign. Review status: criteria provided, single submitter. Criteria: ACMG Guidelines, 2015. Collection method: not provided. Allele origin: germline. Inheritance: Autosomal recessive inheritance. Affected: yes.